The following is an entry in ClinVar:

NM_006979.3(SLC39A7):c.1126A>C (p.Ser376Arg)

Gene: SLC39A7 (solute carrier family 39 member 7; plus strand). Cytogenetic location: 6p21.32.
Variant type: single nucleotide variant.
Coding change: c.1126A>C on transcript NM_006979.3 (MANE Select); coding-DNA position 1126, A replaced by C.
Protein change: p.Ser376Arg; replaces serine 376 with arginine.
Molecular consequence: missense variant.
Genome position (GRCh38, 1-based): chr6:33,203,095, A>C. VCF-style: chr6-33203095-A-C. GRCh37 (hg19) VCF-style: chr6-33170872-A-C.
Other names: c.1126A>C, p.Ser376Arg (NM_001077516.2); c.751A>C, p.Ser251Arg (NM_001288777.2); short protein forms S376R, S251R.
Identifiers: ClinVar variation 1436328 (VCV001436328.8), dbSNP rs2150686942, ClinGen allele CA363646373.

ClinVar aggregate classification (germline): Uncertain significance (1 of 4 stars; one submission).

Submission:

Labcorp Genetics (formerly Invitae), Labcorp
Classification: Uncertain significance. Last evaluated: 2021-05-08. Review status: criteria provided, single submitter. Criteria: Invitae Variant Classification Sherloc (09022015). Collection method: clinical testing. Allele origin: germline.
Comment: This sequence change replaces serine with arginine at codon 376 of the SLC39A7 protein (p.Ser376Arg). The serine residue is moderately conserved and there is a moderate physicochemical difference between serine and arginine. In summary, the available evidence is currently insufficient to determine the role of this variant in disease. Therefore, it has been classified as a Variant of Uncertain Significance. Algorithms developed to predict the effect of missense changes on protein structure and function are either unavailable or do not agree on the potential impact of this missense change (SIFT: "Deleterious"; PolyPhen-2: "Probably Damaging"; Align-GVGD: "Class C15"). This variant has not been reported in the literature in individuals with SLC39A7-related conditions. This variant is not present in population databases (ExAC no frequency).